The following is an entry in ClinVar:

NM_000291.4(PGK1):c.418G>A (p.Val140Ile)

Gene: PGK1 (phosphoglycerate kinase 1; plus strand). Cytogenetic location: Xq21.1.
Variant type: single nucleotide variant.
Coding change: c.418G>A on transcript NM_000291.4 (MANE Select); coding-DNA position 418, G replaced by A.
Protein change: p.Val140Ile; replaces valine 140 with isoleucine.
Molecular consequence: missense variant.
Genome position (GRCh38, 1-based): chrX:78,117,312, G>A. VCF-style: chrX-78117312-G-A. GRCh37 (hg19) VCF-style: chrX-77372809-G-A.
Other names: short protein forms V140I.
Identifiers: ClinVar variation 2175500 (VCV002175500.30), dbSNP rs201024012, ClinGen allele CA10459701.
Genomic context (GRCh38, chrX:78,117,312, plus strand): 5'-AAATGCTTTTATAGTTGTCTTTGGAGCCATCACATTTTCTGTTTTTGTTTTTCTCTATAG[G>A]TTAAAGCCGAGCCAGCCAAAATAGAAGCTTTCCGAGCTTCACTTTCCAAGCTAGGGGATG-3'
Protein context (NP_000282.1, residues 130-150): GKGKDASGNK[Val140Ile]KAEPAKIEAF

ClinVar aggregate classification (germline): Benign/Likely benign. Review status: criteria provided, multiple submitters, no conflicts (2 of 4 stars). 4 submissions from 4 submitters: Benign (2); Likely benign (2). Last evaluated 2025-12-09.

Conditions:
Glycogen storage disease due to phosphoglycerate kinase 1 deficiency. Also called: PGK1 DEFICIENCY; PHOSPHOGLYCERATE KINASE 1 DEFICIENCY WITH LEVO-DOPA-RESPONSIVE PARKINSONISM. Identifiers: Orphanet 713, MedGen C1970848, MONDO:0010392, OMIM 300653.

Allele frequency attached by ClinVar (database versions not stated): TOPMed below 0.00001; gnomAD 0.00015; gnomAD exomes 0.00022; ExAC 0.00041; 1000 Genomes Project 30x 0.00187; 1000 Genomes Project 0.00238.

Submissions (4):

Labcorp Genetics (formerly Invitae), Labcorp
Classification: Benign. Last evaluated: 2025-12-09. Review status: criteria provided, single submitter. Criteria: Invitae Variant Classification Sherloc (09022015). Collection method: clinical testing. Allele origin: germline.

ARUP Laboratories, Molecular Genetics and Genomics, ARUP Laboratories
Classification: Likely benign for Glycogen storage disease due to phosphoglycerate kinase 1 deficiency. Last evaluated: 2025-01-07. Review status: criteria provided, single submitter. Criteria: ARUP Molecular Germline Variant Investigation Process 2024. Collection method: clinical testing. Allele origin: germline.

Blueprint Genetics
Classification: Likely benign. Last evaluated: 2024-09-16. Review status: criteria provided, single submitter. Criteria: ACMG Guidelines, 2015. Collection method: clinical testing. Allele origin: germline.

CeGaT Center for Human Genetics Tuebingen
Classification: Benign. Last evaluated: 2022-09-01. Review status: criteria provided, single submitter. Criteria: CeGaT Center For Human Genetics Tuebingen Variant Classification Criteria Version 2. Collection method: clinical testing. Allele origin: germline. Affected: yes. Observed: 1 variant allele.
Comment: PGK1: BS1, BS2